The following is an entry in ClinVar:

ClinVar aggregate classification (germline): Uncertain significance (1 of 4 stars; one submission).

Conditions:
Tumor predisposition syndrome 3 (TPDS3). Also called: Glioma susceptibility 9; LONG TELOMERE SYNDROME, POT1-RELATED; POT1 Tumor Predisposition; Melanoma, cutaneous malignant, susceptibility to, 10. Identifiers: Orphanet 618, MedGen C4014476, MONDO:0014368, OMIM 615848.

Submission:

Labcorp Genetics (formerly Invitae), Labcorp
Classification: Uncertain significance for Tumor predisposition syndrome 3. Last evaluated: 2024-12-23. Review status: criteria provided, single submitter. Criteria: Invitae Variant Classification Sherloc (09022015). Collection method: clinical testing. Allele origin: germline.
Comment: This variant, c.1013_1018del, is a complex sequence change that results in the deletion of 3 and insertion of 1 amino acid(s) in the POT1 protein (p.Thr338_His340delinsAsn). This variant is not present in population databases (gnomAD no frequency). This variant has not been reported in the literature in individuals affected with POT1-related conditions. Experimental studies and prediction algorithms are not available or were not evaluated, and the functional significance of this variant is currently unknown. In summary, the available evidence is currently insufficient to determine the role of this variant in disease. Therefore, it has been classified as a Variant of Uncertain Significance.

NM_015450.3(POT1):c.1013_1018del (p.Thr338_His340delinsAsn)

Gene: POT1 (protection of telomeres 1; minus strand). Cytogenetic location: 7q31.33.
Variant type: Deletion.
Coding change: c.1013_1018del on transcript NM_015450.3 (MANE Select); coding-DNA positions 1013 to 1018, 6 bases deleted (CAGATC; older notation c.1013_1018delCAGATC).
Protein change: p.Thr338_His340delinsAsn.
Molecular consequence: inframe indel. On other transcripts: non-coding transcript variant (3).
Genome position (GRCh38, 1-based): chr7:124,842,952-124,842,957, GATCTG deleted on the plus strand (CAGATC on the coding strand, the reverse complement: POT1 is on the minus strand). VCF-style (leftmost placement, unchanged base first): chr7-124842951-TGATCTG-T. GRCh37 (hg19) VCF-style: chr7-124483005-TGATCTG-T.
Other names: c.620_625del, p.Thr207_His209delinsAsn (NM_001042594.2).
Identifiers: ClinVar variation 3727575 (VCV003727575.2).